The following is an entry in ClinVar:

NM_001378452.1(ITPR1):c.1121C>T (p.Thr374Ile)

Gene: ITPR1 (inositol 1,4,5-trisphosphate receptor type 1; plus strand). Cytogenetic location: 3p26.1.
Variant type: single nucleotide variant.
Coding change: c.1121C>T on transcript NM_001378452.1 (MANE Select); coding-DNA position 1121, C replaced by T.
Protein change: p.Thr374Ile; replaces threonine 374 with isoleucine.
Molecular consequence: missense variant.
Genome position (GRCh38, 1-based): chr3:4,658,248, C>T. VCF-style: chr3-4658248-C-T. GRCh37 (hg19) VCF-style: chr3-4699932-C-T.
Other names: c.1121C>T, p.Thr374Ile (NM_001099952.4); c.1076C>T, p.Thr359Ile (NM_001168272.2, NM_002222.7); short protein forms T359I, T374I.
Identifiers: ClinVar variation 3360441 (VCV003360441.1).

ClinVar aggregate classification (germline): Uncertain significance (1 of 4 stars; one submission).

gnomAD v4.1: 3 of 1,613,034 alleles (0.00019%); highest among the groups gnomAD compares: African/African-American, 0.0027%; no homozygotes.

Submission:

GeneDx
Classification: Uncertain significance. Last evaluated: 2023-06-28. Review status: criteria provided, single submitter. Criteria: GeneDx Variant Classification Process June 2021. Collection method: clinical testing. Allele origin: germline. Affected: yes.
Comment: Not observed at significant frequency in large population cohorts (gnomAD); In silico analysis supports that this missense variant has a deleterious effect on protein structure/function; Has not been previously published as pathogenic or benign to our knowledge